The following is an entry in ClinVar:

ClinVar aggregate classification (germline): Likely benign. Review status: criteria provided, multiple submitters, no conflicts (2 of 4 stars). 6 submissions from 6 submitters: Likely benign (6). Last evaluated 2026-06-01.

Conditions:
Inborn genetic diseases. Identifiers: MedGen C0950123, MeSH D030342.

Allele frequency attached by ClinVar (database versions not stated): gnomAD 0.00009; gnomAD exomes 0.00012; TOPMed 0.00012; ExAC 0.00013.
gnomAD v4.1: 211 of 1,609,440 alleles (0.013%); highest among the groups gnomAD compares: Middle Eastern, 0.56%; 1 homozygote.

Submissions (6):

CeGaT Center for Human Genetics Tuebingen
Classification: Likely benign. Last evaluated: 2026-06-01. Review status: criteria provided, single submitter. Criteria: CeGaT Center For Human Genetics Tuebingen Variant Classification Criteria Version 2. Collection method: clinical testing. Allele origin: germline. Affected: yes. Observed: 4 variant alleles.
Comment: NBEA: BS2

Laboratory of Genetics, Children's Clinical University Hospital Latvia
Classification: Likely benign. Last evaluated: 2025-02-16. Review status: criteria provided, single submitter. Criteria: ACMG Guidelines, 2015. Collection method: clinical testing. Allele origin: germline. Affected: yes.

Blueprint Genetics
Classification: Likely benign. Last evaluated: 2024-10-03. Review status: criteria provided, single submitter. Criteria: ACMG Guidelines, 2015. Collection method: clinical testing. Allele origin: germline.

Ambry Genetics
Classification: Likely benign for Inborn genetic diseases. Last evaluated: 2024-02-27. Review status: criteria provided, single submitter. Criteria: Ambry Variant Classification Scheme 2023. Collection method: clinical testing. Allele origin: germline.

Laboratorio de Genetica e Diagnostico Molecular, Hospital Israelita Albert Einstein
Classification: Likely benign. Last evaluated: 2021-08-19. Review status: criteria provided, single submitter. Criteria: ACMG Guidelines, 2015. Collection method: clinical testing. Allele origin: germline. Affected: yes.
Comment: ACMG classification criteria: PP2, BS2, BP4

Breakthrough Genomics
Classification: Likely benign. Review status: criteria provided, single submitter. Criteria: ACMG Guidelines, 2015. Collection method: not provided. Allele origin: germline. Inheritance: Autosomal dominant inheritance. Affected: yes.

NM_001385012.1(NBEA):c.5404A>T (p.Ser1802Cys)

Gene: NBEA (neurobeachin; plus strand). Cytogenetic location: 13q13.3.
Variant type: single nucleotide variant.
Coding change: c.5404A>T on transcript NM_001385012.1 (MANE Select); coding-DNA position 5404, A replaced by T.
Protein change: p.Ser1802Cys; replaces serine 1802 with cysteine.
Molecular consequence: missense variant.
Genome position (GRCh38, 1-based): chr13:35,208,737, A>T. VCF-style: chr13-35208737-A-T. GRCh37 (hg19) VCF-style: chr13-35782874-A-T.
Other names: c.5395A>T, p.Ser1799Cys (NM_001379245.1); c.5404A>T, p.Ser1802Cys (NM_015678.5); c.5404A>T (NM_015678.4); short protein forms S1799C, S1802C.
Identifiers: ClinVar variation 1690422 (VCV001690422.30), dbSNP rs370712135, ClinGen allele CA6947095.